The following is an entry in ClinVar:

NM_000080.4(CHRNE):c.1085C>T (p.Ala362Val)

Genes: CHRNE (cholinergic receptor nicotinic epsilon subunit; minus strand), LOC130060041 (ATAC-STARR-seq lymphoblastoid silent region 8050; plus strand). Cytogenetic location: 17p13.2.
Variant type: single nucleotide variant.
Coding change: c.1085C>T on transcript NM_000080.4 (MANE Select); coding-DNA position 1085, C replaced by T.
Protein change: p.Ala362Val; replaces alanine 362 with valine.
Molecular consequence: missense variant.
Genome position (GRCh38, 1-based): chr17:4,899,332, G>A on the plus strand (C>T on the coding strand, the complement: CHRNE is on the minus strand). VCF-style: chr17-4899332-G-A. GRCh37 (hg19) VCF-style: chr17-4802627-G-A.
Other names: c.1085C>T, p.Ala362Val (LRG_1254t1); short protein forms A362V.
Identifiers: ClinVar variation 565449 (VCV000565449.9), dbSNP rs1053507936, ClinGen allele CA287180247.

ClinVar aggregate classification (germline): Uncertain significance (1 of 4 stars; one submission).

Conditions:
Congenital myasthenic syndrome 4A. Also called: Myasthenic syndrome, congenital, 4a, slow-channel; MYASTHENIC SYNDROME, CONGENITAL, 4A, SLOW-CHANNEL, AUTOSOMAL RECESSIVE; CONGENITAL MYASTHENIC SYNDROME TYPE Ia1. Identifiers: Orphanet 590, MedGen C4225413, MONDO:0011600, OMIM 605809.

Allele frequency attached by ClinVar (database versions not stated): gnomAD 0.00001; TOPMed 0.00001.
gnomAD v4.1: 8 of 1,552,872 alleles (0.00052%); highest among the groups gnomAD compares: Non-Finnish European, 0.00069%; no homozygotes.

Submission:

Labcorp Genetics (formerly Invitae), Labcorp
Classification: Uncertain significance for Congenital myasthenic syndrome 4A. Last evaluated: 2022-08-16. Review status: criteria provided, single submitter. Criteria: Invitae Variant Classification Sherloc (09022015). Collection method: clinical testing. Allele origin: germline.
Comment: In summary, the available evidence is currently insufficient to determine the role of this variant in disease. Therefore, it has been classified as a Variant of Uncertain Significance. Advanced modeling of protein sequence and biophysical properties (such as structural, functional, and spatial information, amino acid conservation, physicochemical variation, residue mobility, and thermodynamic stability) performed at Invitae indicates that this missense variant is not expected to disrupt CHRNE protein function. ClinVar contains an entry for this variant (Variation ID: 565449). This variant has not been reported in the literature in individuals affected with CHRNE-related conditions. This variant is not present in population databases (gnomAD no frequency). This sequence change replaces alanine, which is neutral and non-polar, with valine, which is neutral and non-polar, at codon 362 of the CHRNE protein (p.Ala362Val).